The following is an entry in ClinVar:

ClinVar aggregate classification (germline): Uncertain significance (1 of 4 stars; one submission).

Submission:

GeneDx
Classification: Uncertain significance. Last evaluated: 2026-03-13. Review status: criteria provided, single submitter. Criteria: GeneDx Variant Classification Process June 2021. Collection method: clinical testing. Allele origin: germline.
Comment: Not observed at significant frequency in large population cohorts (gnomAD); In silico analysis supports that this missense variant has a deleterious effect on protein structure/function; Has not been previously published as pathogenic or benign to our knowledge

NM_004415.4(DSP):c.2564A>C (p.Lys855Thr)

Gene: DSP (desmoplakin; plus strand). Cytogenetic location: 6p24.3.
Variant type: single nucleotide variant.
Coding change: c.2564A>C on transcript NM_004415.4 (MANE Select); coding-DNA position 2564, A replaced by C.
Protein change: p.Lys855Thr; replaces lysine 855 with threonine.
Molecular consequence: missense variant.
Genome position (GRCh38, 1-based): chr6:7,575,422, A>C. VCF-style: chr6-7575422-A-C. GRCh37 (hg19) VCF-style: chr6-7575655-A-C.
Other names: c.2564A>C, p.Lys855Thr (NM_001008844.3, NM_001319034.2); short protein forms K855T.
Identifiers: ClinVar variation 5009156 (VCV005009156.1).